The following is an entry in ClinVar:

ClinVar aggregate classification (germline): Benign/Likely benign. Review status: criteria provided, multiple submitters, no conflicts (2 of 4 stars). 15 submissions from 15 submitters: Benign (1); Likely benign (8). 6 of the submissions do not count toward it. Last evaluated 2026-02-01.

Conditions:
MYH6-related disorder. Also called: MYH6-Related Disorders; MYH6-related condition.
Cardiovascular phenotype. Identifiers: MedGen CN230736.
Hypertrophic cardiomyopathy 14. Identifiers: MedGen C2750467, MONDO:0013197, OMIM 613251.

Allele frequency attached by ClinVar (database versions not stated): ExAC 0.00021; gnomAD exomes 0.00024; TOPMed 0.00026; 1000 Genomes Project 30x 0.00031; ESP Exome Variant Server 0.00031; gnomAD 0.00031; 1000 Genomes Project 0.00040.
gnomAD v4.1: 801 of 1,614,204 alleles (0.05%); highest among the groups gnomAD compares: Non-Finnish European, 0.064%; 1 homozygote.

Submissions (15):

CeGaT Center for Human Genetics Tuebingen
Classification: Likely benign. Last evaluated: 2026-02-01. Review status: criteria provided, single submitter. Criteria: CeGaT Center For Human Genetics Tuebingen Variant Classification Criteria Version 2. Collection method: clinical testing. Allele origin: germline. Affected: yes. Observed: 2 variant alleles.
Comment: MYH6: BP4, BP7

Labcorp Genetics (formerly Invitae), Labcorp
Classification: Likely benign for Hypertrophic cardiomyopathy 14. Last evaluated: 2025-12-24. Review status: criteria provided, single submitter. Criteria: Invitae Variant Classification Sherloc (09022015). Collection method: clinical testing. Allele origin: germline.

ARUP Laboratories, Molecular Genetics and Genomics, ARUP Laboratories
Classification: Likely benign. Last evaluated: 2024-12-24. Review status: criteria provided, single submitter. Criteria: ARUP Molecular Germline Variant Investigation Process 2024. Collection method: clinical testing. Allele origin: germline.

Blueprint Genetics
Classification: Likely benign. Last evaluated: 2024-11-25. Review status: criteria provided, single submitter. Criteria: ACMG Guidelines, 2015. Collection method: clinical testing. Allele origin: germline.

GeneDx
Classification: Likely benign. Last evaluated: 2021-03-18. Review status: criteria provided, single submitter. Criteria: GeneDx Variant Classification Process June 2021. Collection method: clinical testing. Allele origin: germline. Affected: yes.

Women's Health and Genetics/Laboratory Corporation of America, LabCorp
Classification: Benign. Last evaluated: 2021-03-13. Review status: criteria provided, single submitter. Criteria: LabCorp Variant Classification Summary - May 2015. Collection method: clinical testing. Allele origin: germline.

Ambry Genetics
Classification: Likely benign for Cardiovascular phenotype. Last evaluated: 2016-11-05. Review status: criteria provided, single submitter. Criteria: Ambry Variant Classification Scheme 2023. Collection method: clinical testing. Allele origin: germline.

Laboratory for Molecular Medicine, Mass General Brigham Personalized Medicine
Classification: Likely benign. Last evaluated: 2012-03-19. Review status: criteria provided, single submitter. Criteria: LMM Criteria. Collection method: clinical testing. Allele origin: germline. Observed: 2 variant alleles.
Comment: p.Ala1704Ala in exon 34 of MYH6: This variant is not expected to have clinical s ignificance because it does not alter an amino acid residue and is not located w ithin the splice consensus sequence. It has been identified in 24/66606 of Europ ean chromosomes by the Exome Aggregation Consortium (ExAC; dbSNP rs150450178).

Breakthrough Genomics
Classification: Likely benign. Review status: criteria provided, single submitter. Criteria: ACMG Guidelines, 2015. Collection method: not provided. Allele origin: germline. Inheritance: Autosomal dominant inheritance. Affected: yes.

PreventionGenetics, part of Exact Sciences
Classification: Likely benign for MYH6-related condition. Last evaluated: 2020-08-13. Review status: no assertion criteria provided. Collection method: clinical testing. Allele origin: germline. Not counted in ClinVar's aggregate classification.
Comment: This variant is classified as likely benign based on ACMG/AMP sequence variant interpretation guidelines (Richards et al. 2015 PMID: 25741868, with internal and published modifications).

Clinical Genetics DNA and cytogenetics Diagnostics Lab, Erasmus MC, Erasmus Medical Center
Classification: Likely benign. Review status: no assertion criteria provided. Collection method: clinical testing. Allele origin: germline. Affected: yes. Study: VKGL Data-share Consensus. Not counted in ClinVar's aggregate classification.

Clinical Genetics, Academic Medical Center
Classification: Benign. Review status: no assertion criteria provided. Collection method: clinical testing. Allele origin: germline. Affected: yes. Study: VKGL Data-share Consensus. Not counted in ClinVar's aggregate classification.

Diagnostic Laboratory, Department of Genetics, University Medical Center Groningen
Classification: Likely benign. Review status: no assertion criteria provided. Collection method: clinical testing. Allele origin: germline. Affected: yes. Study: VKGL Data-share Consensus. Not counted in ClinVar's aggregate classification.

Genome Diagnostics Laboratory, University Medical Center Utrecht
Classification: Likely benign. Review status: no assertion criteria provided. Collection method: clinical testing. Allele origin: germline. Affected: yes. Study: VKGL Data-share Consensus. Not counted in ClinVar's aggregate classification.

Joint Genome Diagnostic Labs from Nijmegen and Maastricht, Radboudumc and MUMC+
Classification: Likely benign. Review status: no assertion criteria provided. Collection method: clinical testing. Allele origin: germline. Affected: yes. Study: VKGL Data-share Consensus. Not counted in ClinVar's aggregate classification.

NM_002471.4(MYH6):c.5112G>A (p.Ala1704=)

Genes: MYH6 (myosin heavy chain 6; minus strand), LOC126861896 (BRD4-independent group 4 enhancer GRCh37_chr14:23854904-23856103; plus strand). Cytogenetic location: 14q11.2.
Variant type: single nucleotide variant.
Coding change: c.5112G>A on transcript NM_002471.4 (MANE Select); coding-DNA position 5112, G replaced by A.
Protein change: p.Ala1704=; no amino-acid change (alanine 1704 retained).
Molecular consequence: synonymous variant.
Genome position (GRCh38, 1-based): chr14:23,385,979, C>T on the plus strand (G>A on the coding strand, the complement: MYH6 is on the minus strand). VCF-style: chr14-23385979-C-T. GRCh37 (hg19) VCF-style: chr14-23855188-C-T.
Identifiers: ClinVar variation 227592 (VCV000227592.46), dbSNP rs150450178, ClinGen allele CA7114543.